The following is an entry in ClinVar:

NM_000165.5(GJA1):c.1112C>T (p.Ala371Val)

Gene: GJA1 (gap junction protein alpha 1; plus strand). Cytogenetic location: 6q22.31.
Variant type: single nucleotide variant.
Coding change: c.1112C>T on transcript NM_000165.5 (MANE Select); coding-DNA position 1112, C replaced by T.
Protein change: p.Ala371Val; replaces alanine 371 with valine.
Molecular consequence: missense variant.
Genome position (GRCh38, 1-based): chr6:121,447,959, C>T. VCF-style: chr6-121447959-C-T. GRCh37 (hg19) VCF-style: chr6-121769105-C-T.
Other names: short protein forms A371V.
Identifiers: ClinVar variation 4699779 (VCV004699779.1).
Genomic context (GRCh38, chr6:121,447,959, plus strand): 5'-ATGAATTACAGCCACTAGCCATTGTGGACCAGCGACCTTCAAGCAGAGCCAGCAGTCGTG[C>T]CAGCAGCAGACCTCGGCCTGATGACCTGGAGATCTAGATACAGGCTTGAAAGCATCAAGA-3'
Protein context (NP_000156.1, residues 361-381): QRPSSRASSR[Ala371Val]SSRPRPDDLE

ClinVar aggregate classification (germline): Uncertain significance (1 of 4 stars; one submission).

Conditions:
Oculodentodigital dysplasia, autosomal recessive. Also called: OCULODENTOOSSEOUS DYSPLASIA, AUTOSOMAL RECESSIVE; ODDD, AUTOSOMAL RECESSIVE; ODOD, AUTOSOMAL RECESSIVE. Identifiers: Orphanet 2710, MedGen C2749477, MONDO:0009768, OMIM 257850.

gnomAD v4.1: 6 of 1,613,674 alleles (0.00037%); highest among the groups gnomAD compares: East Asian, 0.0022%; no homozygotes.

Submission:

Labcorp Genetics (formerly Invitae), Labcorp
Classification: Uncertain significance for Oculodentodigital dysplasia, autosomal recessive. Last evaluated: 2025-04-13. Review status: criteria provided, single submitter. Criteria: Invitae Variant Classification Sherloc (09022015). Collection method: clinical testing. Allele origin: germline.
Comment: This sequence change replaces alanine, which is neutral and non-polar, with valine, which is neutral and non-polar, at codon 371 of the GJA1 protein (p.Ala371Val). This variant is present in population databases (rs760700579, gnomAD 0.0009%). This variant has not been reported in the literature in individuals affected with GJA1-related conditions. Invitae Evidence Modeling of protein sequence and biophysical properties (such as structural, functional, and spatial information, amino acid conservation, physicochemical variation, residue mobility, and thermodynamic stability) has been performed for this missense variant. However, the output from this modeling did not meet the statistical confidence thresholds required to predict the impact of this variant on GJA1 protein function. In summary, the available evidence is currently insufficient to determine the role of this variant in disease. Therefore, it has been classified as a Variant of Uncertain Significance.